The following is an entry in ClinVar:

NM_002354.3(EPCAM):c.833C>T (p.Ala278Val)

Gene: EPCAM (epithelial cell adhesion molecule; plus strand). Cytogenetic location: 2p21.
Variant type: single nucleotide variant.
Coding change: c.833C>T on transcript NM_002354.3 (MANE Select); coding-DNA position 833, C replaced by T.
Protein change: p.Ala278Val; replaces alanine 278 with valine.
Molecular consequence: missense variant.
Genome position (GRCh38, 1-based): chr2:47,379,944, C>T. VCF-style: chr2-47379944-C-T. GRCh37 (hg19) VCF-style: chr2-47607083-C-T.
Other names: short protein forms A278V.
Identifiers: ClinVar variation 239141 (VCV000239141.11), dbSNP rs778825812, ClinGen allele CA1649164.

ClinVar aggregate classification (germline): Uncertain significance. Review status: criteria provided, multiple submitters, no conflicts (2 of 4 stars). 2 submissions from 2 submitters: Uncertain significance (2). Last evaluated 2022-06-28.

Conditions:
Hereditary cancer-predisposing syndrome. Also called: Neoplastic Syndromes, Hereditary; Hereditary neoplastic syndrome; Tumor predisposition; Hereditary Cancer Syndrome. Identifiers: Orphanet 140162, MedGen C0027672, MeSH D009386, MONDO:0015356.

Allele frequency attached by ClinVar (database versions not stated): gnomAD exomes 0.00001 and 0.00002; ExAC 0.00002; gnomAD 0.00002 and 0.00003; TOPMed 0.00002.
gnomAD v4.1: 19 of 1,613,108 alleles (0.0012%); highest among the groups gnomAD compares: Admixed American, 0.0017%; no homozygotes.

Submissions (2):

Ambry Genetics
Classification: Uncertain significance for Hereditary cancer-predisposing syndrome. Last evaluated: 2022-06-28. Review status: criteria provided, single submitter. Criteria: Ambry Variant Classification Scheme 2023. Collection method: clinical testing. Allele origin: germline.

Labcorp Genetics (formerly Invitae), Labcorp
Classification: Uncertain significance. Last evaluated: 2015-12-08. Review status: criteria provided, single submitter. Criteria: Invitae Variant Classification Sherloc (09022015). Collection method: clinical testing. Allele origin: germline.
Comment: This variant is present in population databases (ExAC, <0.01%) but has not been reported in the literature in individuals with a EPCAM-related disease. Algorithms developed to predict the effect of missense changes on protein structure and function (SIFT, PolyPhen-2, Align-GVGD) all suggest that this variant is likely to be disruptive, but these predictions have not been confirmed by published functional studies. In summary, this is a rare missense change with uncertain impact on protein function. There is no indication that this variant causes disease, but the evidence is insufficient at this time to prove that conclusively. Therefore, it has been classified as a Variant of Uncertain Significance. This sequence change replaces alanine with valine at codon 278 of the EPCAM protein (p.Ala278Val). The alanine residue is highly conserved and there is a small physicochemical difference between alanine and valine.